The following is an entry in ClinVar:

ClinVar aggregate classification (germline): Uncertain significance (1 of 4 stars; one submission).

Conditions:
Developmental and epileptic encephalopathy, 8 (DEE8). Also called: HYPEREKPLEXIA AND EPILEPSY. Identifiers: Orphanet 163985, Orphanet 2076, MedGen C1845102, MONDO:0010375, OMIM 300607.

Submission:

Labcorp Genetics (formerly Invitae), Labcorp
Classification: Uncertain significance for Developmental and epileptic encephalopathy, 8. Last evaluated: 2025-09-02. Review status: criteria provided, single submitter. Criteria: Invitae Variant Classification Sherloc (09022015). Collection method: clinical testing. Allele origin: germline.
Comment: This sequence change replaces glutamic acid, which is acidic and polar, with alanine, which is neutral and non-polar, at codon 308 of the ARHGEF9 protein (p.Glu308Ala). This variant is not present in population databases (gnomAD no frequency). This variant has not been reported in the literature in individuals affected with ARHGEF9-related conditions. ClinVar contains an entry for this variant (Variation ID: 1469375). Invitae Evidence Modeling of protein sequence and biophysical properties (such as structural, functional, and spatial information, amino acid conservation, physicochemical variation, residue mobility, and thermodynamic stability) has been performed for this missense variant. However, the output from this modeling did not meet the statistical confidence thresholds required to predict the impact of this variant on ARHGEF9 protein function. Algorithms developed to predict the effect of sequence changes on RNA splicing suggest that this variant may disrupt the consensus splice site. In summary, the available evidence is currently insufficient to determine the role of this variant in disease. Therefore, it has been classified as a Variant of Uncertain Significance.

NM_001353921.2(ARHGEF9):c.944A>C (p.Glu315Ala)

Gene: ARHGEF9 (Cdc42 guanine nucleotide exchange factor 9; minus strand). Cytogenetic location: Xq11.1.
Variant type: single nucleotide variant.
Coding change: c.944A>C on transcript NM_001353921.2 (MANE Select); coding-DNA position 944, A replaced by C.
Protein change: p.Glu315Ala; replaces glutamic acid 315 with alanine.
Molecular consequence: missense variant.
Genome position (GRCh38, 1-based): chrX:63,674,039, T>G on the plus strand (A>C on the coding strand, the complement: ARHGEF9 is on the minus strand). VCF-style: chrX-63674039-T-G. GRCh37 (hg19) VCF-style: chrX-62893919-T-G.
Other names: c.764A>C, p.Glu255Ala (NM_001173479.2); c.617A>C, p.Glu206Ala (NM_001173480.2, NM_001369042.1); c.860A>C, p.Glu287Ala (NM_001330495.2, NM_001353927.2, NM_001369033.1 and 8 more transcripts); c.944A>C, p.Glu315Ala (NM_001353922.2); c.962A>C, p.Glu321Ala (NM_001353923.1); c.743A>C, p.Glu248Ala (NM_001353924.2, NM_001353926.2, NM_001369039.1 and 1 more transcripts); c.923A>C, p.Glu308Ala (NM_001353928.2, NM_001369030.1, NM_001369031.1 and 2 more transcripts); c.509A>C, p.Glu170Ala (NM_001369045.1); short protein forms E170A, E287A, E315A, E206A, E248A, E255A, E308A, E321A.
Identifiers: ClinVar variation 1469375 (VCV001469375.6), dbSNP rs2147307964, ClinGen allele CA413405902.